The following is an entry in ClinVar:

NM_004187.5(KDM5C):c.4457G>A (p.Gly1486Glu)

Gene: KDM5C (lysine demethylase 5C; minus strand). Cytogenetic location: Xp11.22.
Variant type: single nucleotide variant.
Coding change: c.4457G>A on transcript NM_004187.5 (MANE Select); coding-DNA position 4457, G replaced by A.
Protein change: p.Gly1486Glu; replaces glycine 1486 with glutamic acid.
Molecular consequence: missense variant. On other transcripts: intron variant (5).
Genome position (GRCh38, 1-based): chrX:53,193,193, C>T on the plus strand (G>A on the coding strand, the complement: KDM5C is on the minus strand). VCF-style: chrX-53193193-C-T. GRCh37 (hg19) VCF-style: chrX-53222375-C-T.
Other names: c.4454G>A, p.Gly1485Glu (NM_001282622.3); c.4448G>A, p.Gly1483Glu (NM_001353978.3); c.4305+244G>A (NM_001353982.2); c.4314+244G>A (NM_001353979.2); c.4308+244G>A (NM_001353981.2, NM_001353984.2); c.4046+305G>A (NM_001146702.2); short protein forms G1483E, G1486E, G1485E.
Identifiers: ClinVar variation 3634893 (VCV003634893.2).

ClinVar aggregate classification (germline): Uncertain significance (1 of 4 stars; one submission).

Conditions:
Spastic paraplegia. Identifiers: MedGen C0037772, HP:0001258.

Submission:

Labcorp Genetics (formerly Invitae), Labcorp
Classification: Uncertain significance for Spastic paraplegia. Last evaluated: 2025-04-26. Review status: criteria provided, single submitter. Criteria: Invitae Variant Classification Sherloc (09022015). Collection method: clinical testing. Allele origin: germline.
Comment: This sequence change replaces glycine, which is neutral and non-polar, with glutamic acid, which is acidic and polar, at codon 1486 of the KDM5C protein (p.Gly1486Glu). This variant is not present in population databases (gnomAD no frequency). This variant has not been reported in the literature in individuals affected with KDM5C-related conditions. ClinVar contains an entry for this variant (Variation ID: 3634893). Invitae Evidence Modeling of protein sequence and biophysical properties (such as structural, functional, and spatial information, amino acid conservation, physicochemical variation, residue mobility, and thermodynamic stability) indicates that this missense variant is not expected to disrupt KDM5C protein function with a negative predictive value of 95%. In summary, the available evidence is currently insufficient to determine the role of this variant in disease. Therefore, it has been classified as a Variant of Uncertain Significance.